The following is an entry in ClinVar:

NM_004153.4(ORC1):c.1239A>C (p.Ala413=)

Gene: ORC1 (origin recognition complex subunit 1; minus strand). Cytogenetic location: 1p32.3.
Variant type: single nucleotide variant.
Coding change: c.1239A>C on transcript NM_004153.4 (MANE Select); coding-DNA position 1239, A replaced by C.
Protein change: p.Ala413=; no amino-acid change (alanine 413 retained).
Molecular consequence: synonymous variant.
Genome position (GRCh38, 1-based): chr1:52,388,586, T>G on the plus strand (A>C on the coding strand, the complement: ORC1 is on the minus strand). VCF-style: chr1-52388586-T-G. GRCh37 (hg19) VCF-style: chr1-52854258-T-G.
Other names: c.1239A>C, p.Ala413= (NM_001190818.2, NM_001190819.2).
Identifiers: ClinVar variation 129855 (VCV000129855.16), dbSNP rs377164890, ClinGen allele CA154192.
Genomic context (GRCh38, chr1:52,388,586, plus strand): 5'-CCTTGGAAGGGGCGGTGTGGAAGCCTCTTCTTCGTCACTGCTAGAGTCTGAAATCTCTGC[T>G]GCTGGCAGAATCTCTTTCTCTTCTTGGTCACTTTTACTATTACCTAGAAACCTGAATGGT-3'
Protein context (NP_004144.2, residues 403-423): SDQEEKEILP[Ala413=]AEISDSSSDE

ClinVar aggregate classification (germline): Benign/Likely benign. Review status: criteria provided, multiple submitters, no conflicts (2 of 4 stars). 4 submissions from 4 submitters: Benign (1); Likely benign (3). Last evaluated 2026-07-01.

Allele frequency attached by ClinVar (database versions not stated): ESP Exome Variant Server 0.00015; gnomAD exomes 0.00015 and 0.00016; gnomAD 0.00017 and 0.00019; TOPMed 0.00017; ExAC 0.00020.
gnomAD v4.1: 244 of 1,614,160 alleles (0.015%); highest among the groups gnomAD compares: Middle Eastern, 0.28%; no homozygotes.

Submissions (4):

CeGaT Center for Human Genetics Tuebingen
Classification: Likely benign. Last evaluated: 2026-07-01. Review status: criteria provided, single submitter. Criteria: CeGaT Center For Human Genetics Tuebingen Variant Classification Criteria Version 2. Collection method: clinical testing. Allele origin: germline. Affected: yes. Observed: 1 variant allele.
Comment: ORC1: BP4, BP7

Labcorp Genetics (formerly Invitae), Labcorp
Classification: Likely benign. Last evaluated: 2025-10-08. Review status: criteria provided, single submitter. Criteria: Invitae Variant Classification Sherloc (09022015). Collection method: clinical testing. Allele origin: germline.

Blueprint Genetics
Classification: Likely benign. Last evaluated: 2024-11-08. Review status: criteria provided, single submitter. Criteria: ACMG Guidelines, 2015. Collection method: clinical testing. Allele origin: germline.

Genetic Services Laboratory, University of Chicago
Classification: Benign for AllHighlyPenetrant. Last evaluated: 2013-12-17. Review status: criteria provided, single submitter. Criteria: ACMG Guidelines, 2007. Collection method: clinical testing. Allele origin: germline. Inheritance: Autosomal recessive inheritance.